The following is an entry in ClinVar:

ClinVar aggregate classification (germline): Conflicting classifications of pathogenicity. Review status: criteria provided, conflicting classifications (1 of 4 stars). 2 submissions from 2 submitters: Likely pathogenic (1); Uncertain significance (1). Last evaluated 2024-12-11.

Conditions:
Hereditary cancer-predisposing syndrome. Also called: Neoplastic Syndromes, Hereditary; Tumor predisposition; Hereditary neoplastic syndrome; Hereditary Cancer Syndrome. Identifiers: Orphanet 140162, MedGen C0027672, MeSH D009386, MONDO:0015356.
BAP1-related tumor predisposition syndrome (TPDS1). Also called: BAP1 tumor predisposition syndrome; TUMOR PREDISPOSITION SYNDROME 1; Tumor susceptibility linked to germline BAP1 mutations; COMMON Syndrome. Identifiers: Orphanet 289539, MedGen C3280492, MONDO:0013692, OMIM 614327.

Submissions (2):

Ambry Genetics
Classification: Likely pathogenic for Hereditary cancer-predisposing syndrome. Last evaluated: 2024-12-11. Review status: criteria provided, single submitter. Criteria: Ambry Variant Classification Scheme 2023. Collection method: clinical testing. Allele origin: germline.
Comment: The p.V439L variant (also known as c.1315G>T), located in coding exon 13 of the BAP1 gene, results from a G to T substitution at nucleotide position 1315. The valine at codon 439 is replaced by leucine, an amino acid with highly similar properties. This variant has been observed in individuals with a personal and/or family history that is consistent with BAP1-associated disease (Ambry internal data). This alteration was non-functional in a high throughput genome editing haploid cell survival assay (Waters AJ et al. Nat Genet, 2024 Jul;56:1434-1445). This nucleotide position is highly conserved in available vertebrate species. In silico splice site analysis predicts that this alteration will result in the creation or strengthening of a novel splice acceptor site; however direct evidence is not available. This amino acid position is highly conserved in available vertebrate species. In addition, this alteration is predicted to be tolerated by in silico analysis. This variant is considered to be rare based on population cohorts in the Genome Aggregation Database (gnomAD). Based on the majority of available evidence to date, this variant is likely to be pathogenic.

Labcorp Genetics (formerly Invitae), Labcorp
Classification: Uncertain significance for BAP1-related tumor predisposition syndrome. Last evaluated: 2018-06-13. Review status: criteria provided, single submitter. Criteria: Invitae Variant Classification Sherloc (09022015). Collection method: clinical testing. Allele origin: germline.
Comment: In summary, the available evidence is currently insufficient to determine the role of this variant in disease. Therefore, it has been classified as a Variant of Uncertain Significance. Algorithms developed to predict the effect of missense changes on protein structure and function are either unavailable or do not agree on the potential impact of this missense change (SIFT: "Deleterious"; PolyPhen-2: "Benign"; Align-GVGD: "Class C0"). This variant has not been reported in the literature in individuals with BAP1-related disease. This variant is not present in population databases (ExAC no frequency). This sequence change replaces valine with leucine at codon 439 of the BAP1 protein (p.Val439Leu). The valine residue is moderately conserved and there is a small physicochemical difference between valine and leucine.

Literature cited by the submitters: PubMed 38969833 (cited by Ambry Genetics).

NM_004656.4(BAP1):c.1315G>T (p.Val439Leu)

Gene: BAP1 (BRCA1 associated deubiquitinase 1; minus strand). Cytogenetic location: 3p21.1.
Variant type: single nucleotide variant.
Coding change: c.1315G>T on transcript NM_004656.4 (MANE Select); coding-DNA position 1315, G replaced by T.
Protein change: p.Val439Leu; replaces valine 439 with leucine.
Molecular consequence: missense variant.
Genome position (GRCh38, 1-based): chr3:52,403,830, C>A on the plus strand (G>T on the coding strand, the complement: BAP1 is on the minus strand). VCF-style: chr3-52403830-C-A. GRCh37 (hg19) VCF-style: chr3-52437846-C-A.
Other names: short protein forms V439L.
Identifiers: ClinVar variation 578715 (VCV000578715.9), dbSNP rs1559587112, ClinGen allele CA353102170.